The following is an entry in ClinVar:

NM_000038.6(APC):c.3086_3087del (p.Leu1029fs)

Gene: APC (APC regulator of Wnt signaling pathway; plus strand). Cytogenetic location: 5q22.2.
Variant type: Deletion.
Coding change: c.3086_3087del on transcript NM_000038.6 (MANE Select); coding-DNA positions 3086 to 3087, 2 bases deleted (TT; older notation c.3086_3087delTT).
Protein change: p.Leu1029fs; shifts the reading frame from leucine 1029.
Molecular consequence: frameshift variant. On other transcripts: non-coding transcript variant (2).
Genome position (GRCh38, 1-based): chr5:112,838,680-112,838,681, TT deleted. VCF-style (leftmost placement, unchanged base first): chr5-112838679-CTT-C. GRCh37 (hg19) VCF-style: chr5-112174376-CTT-C.
Other names: c.3086_3087del, p.Leu1029fs (NM_001127510.3, NM_001354895.2, NM_001407450.1); c.3032_3033del, p.Leu1011fs (NM_001127511.3); c.3140_3141del, p.Leu1047fs (NM_001354896.2, NM_001407447.1, NM_001407448.1 and 1 more transcripts); c.3116_3117del, p.Leu1039fs (NM_001354897.2); c.3011_3012del, p.Leu1004fs (NM_001354898.2); c.3002_3003del, p.Leu1001fs (NM_001354899.2); c.2963_2964del, p.Leu988fs (NM_001354900.2); c.2909_2910del, p.Leu970fs (NM_001354901.2, NM_001407453.1); and 11 more; short protein forms L1001fs, L1004fs, L1011fs, L1019fs, L1022fs, L1029fs, L1039fs, L1047fs.
Identifiers: ClinVar variation 2583492 (VCV002583492.2), dbSNP rs2533470307, ClinGen allele CA2582341484.

ClinVar aggregate classification (germline): Pathogenic (1 of 4 stars; one submission).

Conditions:
Familial adenomatous polyposis 1 (FAP1). Also called: POLYPOSIS, ADENOMATOUS INTESTINAL; FAMILIAL ADENOMATOUS POLYPOSIS 1, ATTENUATED. Identifiers: MedGen C2713442, MONDO:0021056, OMIM 175100. Disease mechanism: loss of function.

Submission:

Myriad Genetics, Inc.
Classification: Pathogenic for Familial adenomatous polyposis 1. Last evaluated: 2023-05-05. Review status: criteria provided, single submitter. Criteria: Myriad Autosomal Dominant, Autosomal Recessive and X-Linked Classification Criteria (2023). Collection method: clinical testing. Allele origin: unknown.
Comment: This variant is considered pathogenic. This variant creates a frameshift predicted to result in premature protein truncation.